The following is an entry in ClinVar:

ClinVar aggregate classification (germline): Likely pathogenic (1 of 4 stars; one submission).

Conditions:
Thrombocytopenia 1. Also called: X-linked thrombocytopenia with normal platelets; THROMBOCYTOPENIA, X-LINKED, 1; X-Linked Thrombocytopenia (XLT). Identifiers: Orphanet 268322, Orphanet 852, MedGen C1839163, MONDO:0010743, OMIM 313900.
X-linked severe congenital neutropenia (SCNX). Identifiers: Orphanet 86788, MedGen C1845987, MONDO:0010294, OMIM 300299.
Wiskott-Aldrich syndrome (WAS). Also called: Wiskott-aldrich syndrome, somatic; ALDRICH SYNDROME; IMMUNODEFICIENCY 2; WISKOTT-ALDRICH SYNDROME 1. Identifiers: Orphanet 906, MedGen C0043194, MONDO:0010518, OMIM 301000.

Submission:

Labcorp Genetics (formerly Invitae), Labcorp
Classification: Likely pathogenic for Wiskott-Aldrich syndrome; X-linked severe congenital neutropenia; Thrombocytopenia 1. Last evaluated: 2023-03-23. Review status: criteria provided, single submitter. Criteria: Invitae Variant Classification Sherloc (09022015). Collection method: clinical testing. Allele origin: germline.
Comment: This variant disrupts the p.Thr48 amino acid residue in WAS. Other variant(s) that disrupt this residue have been determined to be pathogenic (PMID: 8528199, 9326235, 15284122, 19817875). This suggests that this residue is clinically significant, and that variants that disrupt this residue are likely to be disease-causing. In summary, the currently available evidence indicates that the variant is pathogenic, but additional data are needed to prove that conclusively. Therefore, this variant has been classified as Likely Pathogenic. This sequence change replaces threonine, which is neutral and polar, with proline, which is neutral and non-polar, at codon 48 of the WAS protein (p.Thr48Pro). This variant is not present in population databases (gnomAD no frequency). This missense change has been observed in individual(s) with clinical features of Wiskott-Aldrich syndrome/X-linked thrombocytopenia (Invitae). ClinVar contains an entry for this variant (Variation ID: 935749). Advanced modeling of protein sequence and biophysical properties (such as structural, functional, and spatial information, amino acid conservation, physicochemical variation, residue mobility, and thermodynamic stability) performed at Invitae indicates that this missense variant is expected to disrupt WAS protein function.

Literature cited by the submitters: PubMed 8528199; PubMed 9326235; PubMed 15284122; PubMed 19817875.

NM_000377.3(WAS):c.142A>C (p.Thr48Pro)

Gene: WAS (WASP actin nucleation promoting factor; plus strand). Cytogenetic location: Xp11.23.
Variant type: single nucleotide variant.
Coding change: c.142A>C on transcript NM_000377.3 (MANE Select); coding-DNA position 142, A replaced by C.
Protein change: p.Thr48Pro; replaces threonine 48 with proline.
Molecular consequence: missense variant.
Genome position (GRCh38, 1-based): chrX:48,684,292, A>C. VCF-style: chrX-48684292-A-C. GRCh37 (hg19) VCF-style: chrX-48542681-A-C.
Other names: short protein forms T48P.
Identifiers: ClinVar variation 935749 (VCV000935749.8), dbSNP rs2062412197, ClinGen allele CA412866088.